The following is an entry in ClinVar:

NM_001943.5(DSG2):c.582G>A (p.Ser194=)

Gene: DSG2 (desmoglein 2; plus strand). Cytogenetic location: 18q12.1.
Variant type: single nucleotide variant.
Coding change: c.582G>A on transcript NM_001943.5 (MANE Select); coding-DNA position 582, G replaced by A.
Protein change: p.Ser194=; no amino-acid change (serine 194 retained).
Molecular consequence: synonymous variant.
Genome position (GRCh38, 1-based): chr18:31,522,141, G>A. VCF-style: chr18-31522141-G-A. GRCh37 (hg19) VCF-style: chr18-29102104-G-A.
Other names: c.582G>A (NM_001943.3).
Identifiers: ClinVar variation 928238 (VCV000928238.12), dbSNP rs748768578, ClinGen allele CA049461.

ClinVar aggregate classification (germline): Likely benign. Review status: criteria provided, multiple submitters, no conflicts (2 of 4 stars). 4 submissions from 4 submitters: Likely benign (4). Last evaluated 2025-07-02.

Conditions:
Arrhythmogenic right ventricular cardiomyopathy (ARVD). Also called: Arrhythmogenic cardiomyopathy; Cardiomyopathy, ARVC; Arrhythmogenic right ventricular dysplasia; Arrhythmogenic Right Ventricular Cardiomyopathy (ARVC). Identifiers: Orphanet 247, MedGen C0349788, MeSH D019571, MONDO:0016587. Disease mechanism: loss of function. Inheritance: Various modes of inheritance.
Cardiomyopathy (CMYO). Also called: Cardiomyopathies. Identifiers: Orphanet 167848, MedGen C0878544, MONDO:0004994, HP:0001638. Inheritance: Various modes of inheritance.
Cardiovascular phenotype. Identifiers: MedGen CN230736.
Arrhythmogenic right ventricular dysplasia 10. Also called: Arrhythmogenic Right Ventricular Dysplasia/Cardiomyopathy10; ARRHYTHMOGENIC RIGHT VENTRICULAR DYSPLASIA, FAMILIAL, 10; Arrhythmogenic right ventricular dysplasia/cardiomyopathy, type 10. Identifiers: MedGen C1857777, MONDO:0012434, OMIM 610193.

Allele frequency attached by ClinVar (database versions not stated): gnomAD 0.00001; TOPMed 0.00001; gnomAD exomes 0.00002 and 0.00004; ExAC 0.00009.
gnomAD v4.1: 23 of 1,613,710 alleles (0.0014%); highest among the groups gnomAD compares: South Asian, 0.0044%; no homozygotes.

Submissions (4):

Labcorp Genetics (formerly Invitae), Labcorp
Classification: Likely benign for Arrhythmogenic right ventricular dysplasia 10. Last evaluated: 2025-07-02. Review status: criteria provided, single submitter. Criteria: Invitae Variant Classification Sherloc (09022015). Collection method: clinical testing. Allele origin: germline.

All of Us Research Program, National Institutes of Health
Classification: Likely benign for Arrhythmogenic right ventricular cardiomyopathy. Last evaluated: 2023-12-01. Review status: criteria provided, single submitter. Criteria: ACMG Guidelines, 2015. Collection method: clinical testing. Allele origin: germline. Inheritance: Autosomal dominant inheritance. Observed: 4 variant alleles, 4 heterozygotes.
Comment: This study involves interpretation of variants in research participants for the purpose of population health screening. Participant phenotype was not available at the time of variant classification. Additional details can be found in publication PMID: 35346344, PMCID: PMC8962531

Ambry Genetics
Classification: Likely benign for Cardiovascular phenotype. Last evaluated: 2022-12-07. Review status: criteria provided, single submitter. Criteria: Ambry Variant Classification Scheme 2023. Collection method: clinical testing. Allele origin: germline.

Color Diagnostics, LLC DBA Color Health
Classification: Likely benign for Cardiomyopathy. Last evaluated: 2019-06-01. Review status: criteria provided, single submitter. Criteria: ACMG Guidelines, 2015. Collection method: clinical testing. Allele origin: germline.